The following is an entry in ClinVar:

ClinVar aggregate classification (germline): Uncertain significance. Review status: criteria provided, multiple submitters, no conflicts (2 of 4 stars). 4 submissions from 4 submitters: Uncertain significance (4). Last evaluated 2026-01-19.

Conditions:
Familial juvenile hyperuricemic nephropathy type 2 (ADTKD4). Also called: EARLY-ONSET HYPERURICEMIA, ANEMIA, AND PROGRESSIVE KIDNEY FAILURE; Autosomal Dominant Tubulointerstitial Kidney Disease – REN. Identifiers: Orphanet 217330, MedGen C2751310, MONDO:0013128, OMIM 613092.
Renal tubular dysgenesis of genetic origin. Also called: PRIMITIVE RENAL TUBULE SYNDROME. Identifiers: Orphanet 97369, MedGen C5681536, MONDO:0009970, OMIM 267430.
Inborn genetic diseases. Identifiers: MedGen C0950123, MeSH D030342.

gnomAD v4.1: 58 of 1,614,074 alleles (0.0036%); highest among the groups gnomAD compares: Non-Finnish European, 0.0045%; no homozygotes.

Submissions (4):

Labcorp Genetics (formerly Invitae), Labcorp
Classification: Uncertain significance. Last evaluated: 2026-01-19. Review status: criteria provided, single submitter. Criteria: Invitae Variant Classification Sherloc (09022015). Collection method: clinical testing. Allele origin: germline.
Comment: This sequence change replaces isoleucine, which is neutral and non-polar, with serine, which is neutral and polar, at codon 77 of the REN protein (p.Ile77Ser). This variant is present in population databases (rs574100052, gnomAD 0.01%). This variant has not been reported in the literature in individuals affected with REN-related conditions. ClinVar contains an entry for this variant (Variation ID: 1304113). Invitae Evidence Modeling of protein sequence and biophysical properties (such as structural, functional, and spatial information, amino acid conservation, physicochemical variation, residue mobility, and thermodynamic stability) indicates that this missense variant is not expected to disrupt REN protein function with a negative predictive value of 80%. In summary, the available evidence is currently insufficient to determine the role of this variant in disease. Therefore, it has been classified as a Variant of Uncertain Significance.

Ambry Genetics
Classification: Uncertain significance for Inborn genetic diseases. Last evaluated: 2024-10-25. Review status: criteria provided, single submitter. Criteria: Ambry Variant Classification Scheme 2023. Collection method: clinical testing. Allele origin: germline.

Fulgent Genetics
Classification: Uncertain significance for Renal tubular dysgenesis of genetic origin; Familial juvenile hyperuricemic nephropathy type 2. Last evaluated: 2022-05-25. Review status: criteria provided, single submitter. Criteria: ACMG Guidelines, 2015. Collection method: clinical testing. Allele origin: unknown.

GeneDx
Classification: Uncertain significance. Last evaluated: 2018-09-11. Review status: criteria provided, single submitter. Criteria: GeneDx Variant Classification Process June 2021. Collection method: clinical testing. Allele origin: germline. Affected: yes.
Comment: In silico analysis, which includes protein predictors and evolutionary conservation, supports that this variant does not alter protein structure/function; Has not been previously published as pathogenic or benign to our knowledge

NM_000537.4(REN):c.230T>G (p.Ile77Ser)

Gene: REN (renin; minus strand). Cytogenetic location: 1q32.1.
Variant type: single nucleotide variant.
Coding change: c.230T>G on transcript NM_000537.4 (MANE Select); coding-DNA position 230, T replaced by G.
Protein change: p.Ile77Ser; replaces isoleucine 77 with serine.
Molecular consequence: missense variant.
Genome position (GRCh38, 1-based): chr1:204,162,032, A>C on the plus strand (T>G on the coding strand, the complement: REN is on the minus strand). VCF-style: chr1-204162032-A-C. GRCh37 (hg19) VCF-style: chr1-204131160-A-C.
Other names: short protein forms I77S.
Identifiers: ClinVar variation 1304113 (VCV001304113.6), dbSNP rs574100052, ClinGen allele CA1345024.